The following is an entry in ClinVar:

ClinVar aggregate classification (germline): Uncertain significance. Review status: criteria provided, multiple submitters, no conflicts (2 of 4 stars). 3 submissions from 3 submitters: Uncertain significance (3). Last evaluated 2026-01-01.

Allele frequency attached by ClinVar (database versions not stated): gnomAD exomes 0.00001; TOPMed 0.00001.
gnomAD v4.1: 19 of 1,613,966 alleles (0.0012%); highest among the groups gnomAD compares: Non-Finnish European, 0.0014%; no homozygotes.

Submissions (3):

CeGaT Center for Human Genetics Tuebingen
Classification: Uncertain significance. Last evaluated: 2026-01-01. Review status: criteria provided, single submitter. Criteria: CeGaT Center For Human Genetics Tuebingen Variant Classification Criteria Version 2. Collection method: clinical testing. Allele origin: germline. Affected: yes. Observed: 2 variant alleles.
Comment: CYFIP2: PM2

Labcorp Genetics (formerly Invitae), Labcorp
Classification: Uncertain significance. Last evaluated: 2024-11-11. Review status: criteria provided, single submitter. Criteria: Invitae Variant Classification Sherloc (09022015). Collection method: clinical testing. Allele origin: germline.
Comment: This sequence change replaces valine, which is neutral and non-polar, with methionine, which is neutral and non-polar, at codon 1228 of the CYFIP2 protein (p.Val1228Met). This variant is not present in population databases (gnomAD no frequency). This variant has not been reported in the literature in individuals affected with CYFIP2-related conditions. ClinVar contains an entry for this variant (Variation ID: 1305399). Experimental studies and prediction algorithms are not available or were not evaluated, and the functional significance of this variant is currently unknown. In summary, the available evidence is currently insufficient to determine the role of this variant in disease. Therefore, it has been classified as a Variant of Uncertain Significance.

GeneDx
Classification: Uncertain significance. Last evaluated: 2020-11-19. Review status: criteria provided, single submitter. Criteria: GeneDx Variant Classification Process June 2021. Collection method: clinical testing. Allele origin: germline. Affected: yes.
Comment: Not observed in large population cohorts (Lek et al., 2016); In silico analysis, which includes protein predictors and evolutionary conservation, supports that this variant does not alter protein structure/function; Has not been previously published as pathogenic or benign to our knowledge

NM_001037333.3(CYFIP2):c.3682G>A (p.Val1228Met)

Genes: CYFIP2 (cytoplasmic FMR1 interacting protein 2; plus strand), NIPAL4-DT (NIPAL4 divergent transcript; minus strand). Cytogenetic location: 5q33.3.
Variant type: single nucleotide variant.
Coding change: c.3682G>A on transcript NM_001037333.3 (MANE Select); coding-DNA position 3682, G replaced by A.
Protein change: p.Val1228Met; replaces valine 1228 with methionine.
Molecular consequence: missense variant.
Genome position (GRCh38, 1-based): chr5:157,392,920, G>A. VCF-style: chr5-157392920-G-A. GRCh37 (hg19) VCF-style: chr5-156819928-G-A.
Other names: c.3604G>A, p.Val1202Met (NM_001291721.2); c.3757G>A, p.Val1253Met (NM_001291722.2); c.3682G>A, p.Val1228Met (NM_014376.4); short protein forms V1202M, V1228M, V1253M.
Identifiers: ClinVar variation 1305399 (VCV001305399.39), dbSNP rs766552634, ClinGen allele CA130183483.